The following is an entry in ClinVar:

NM_012330.4(KAT6B):c.3944G>A (p.Gly1315Glu)

Gene: KAT6B (lysine acetyltransferase 6B; plus strand). Cytogenetic location: 10q22.2.
Variant type: single nucleotide variant.
Coding change: c.3944G>A on transcript NM_012330.4 (MANE Select); coding-DNA position 3944, G replaced by A.
Protein change: p.Gly1315Glu; replaces glycine 1315 with glutamic acid.
Molecular consequence: missense variant.
Genome position (GRCh38, 1-based): chr10:75,028,768, G>A. VCF-style: chr10-75028768-G-A. GRCh37 (hg19) VCF-style: chr10-76788526-G-A.
Other names: c.3395G>A, p.Gly1132Glu (NM_001256468.2, NM_001370138.1); c.3068G>A, p.Gly1023Glu (NM_001256469.2, NM_001370139.1, NM_001370140.1 and 2 more transcripts); c.2906G>A, p.Gly969Glu (NM_001370132.1); c.2255G>A, p.Gly752Glu (NM_001370133.1); c.1859G>A, p.Gly620Glu (NM_001370134.1); c.1601G>A, p.Gly534Glu (NM_001370135.1); c.3944G>A, p.Gly1315Glu (NM_001370136.1, NM_001370137.1); c.2879G>A, p.Gly960Glu (NM_001370143.1, NM_001370144.1); short protein forms G534E, G960E, G1132E, G1023E, G1315E, G620E, G969E, G752E.
Identifiers: ClinVar variation 3679504 (VCV003679504.2).

ClinVar aggregate classification (germline): Uncertain significance (1 of 4 stars; one submission).

Conditions:
Genitopatellar syndrome (GTPTS). Also called: ABSENT PATELLAE, SCROTAL HYPOPLASIA, RENAL ANOMALIES, FACIAL DYSMORPHISM, AND MENTAL RETARDATION; Genitopatellar syndrome (GPS). Identifiers: Orphanet 85201, MedGen C1853566, MONDO:0011640, OMIM 606170.

Submission:

Labcorp Genetics (formerly Invitae), Labcorp
Classification: Uncertain significance for Genitopatellar syndrome. Last evaluated: 2024-05-26. Review status: criteria provided, single submitter. Criteria: Invitae Variant Classification Sherloc (09022015). Collection method: clinical testing. Allele origin: germline.
Comment: This sequence change replaces glycine, which is neutral and non-polar, with glutamic acid, which is acidic and polar, at codon 1315 of the KAT6B protein (p.Gly1315Glu). This variant is not present in population databases (gnomAD no frequency). This variant has not been reported in the literature in individuals affected with KAT6B-related conditions. Advanced modeling of protein sequence and biophysical properties (such as structural, functional, and spatial information, amino acid conservation, physicochemical variation, residue mobility, and thermodynamic stability) performed at Invitae indicates that this missense variant is not expected to disrupt KAT6B protein function with a negative predictive value of 80%. In summary, the available evidence is currently insufficient to determine the role of this variant in disease. Therefore, it has been classified as a Variant of Uncertain Significance.